The following is an entry in ClinVar:

NM_020975.6(RET):c.2923A>T (p.Asn975Tyr)

Gene: RET (ret proto-oncogene; plus strand). Cytogenetic location: 10q11.21.
Variant type: single nucleotide variant.
Coding change: c.2923A>T on transcript NM_020975.6 (MANE Select); coding-DNA position 2923, A replaced by T.
Protein change: p.Asn975Tyr; replaces asparagine 975 with tyrosine.
Molecular consequence: missense variant.
Genome position (GRCh38, 1-based): chr10:43,123,792, A>T. VCF-style: chr10-43123792-A-T. GRCh37 (hg19) VCF-style: chr10-43619240-A-T.
Other names: c.2923A>T, p.Asn975Tyr (NM_000323.2, NM_001406743.1, NM_001406744.1 and 4 more transcripts); c.2161A>T, p.Asn721Tyr (NM_001355216.2); c.2794A>T, p.Asn932Tyr (NM_001406761.1, NM_001406762.1, NM_001406764.1); c.2788A>T, p.Asn930Tyr (NM_001406763.1, NM_001406765.1); c.2635A>T, p.Asn879Tyr (NM_001406766.1, NM_001406767.1, NM_001406770.1); c.2659A>T, p.Asn887Tyr (NM_001406768.1); c.2527A>T, p.Asn843Tyr (NM_001406769.1, NM_001406772.1); c.2485A>T, p.Asn829Tyr (NM_001406771.1, NM_001406773.1); and 10 more; short protein forms N721Y, N975Y, N733Y, N879Y, N580Y, N843Y, N887Y, N932Y.
Identifiers: ClinVar variation 664667 (VCV000664667.13), dbSNP rs1194221807, ClinGen allele CA376557969.
Genomic context (GRCh38, chr10:43,123,792, plus strand): 5'-ATTCCTCCTGAGCGGCTCTTCAACCTTCTGAAGACCGGCCACCGGATGGAGAGGCCAGAC[A>T]ACTGCAGCGAGGAGATGTGAGCGGGGACTGGCTTTGGCCCAGCCTCACTTGGGAAGGGAG-3'
Protein context (NP_066124.1, residues 965-985): KTGHRMERPD[Asn975Tyr]CSEEMYRLML

ClinVar aggregate classification (germline): Uncertain significance. Review status: criteria provided, multiple submitters, no conflicts (2 of 4 stars). 3 submissions from 3 submitters: Uncertain significance (3). Last evaluated 2023-06-27.

Conditions:
Multiple endocrine neoplasia, type 2 (MEN2). Identifiers: Orphanet 653, MedGen C4048306, MONDO:0019003. Disease mechanism: gain of function.
Hereditary cancer-predisposing syndrome. Also called: Tumor predisposition; Hereditary neoplastic syndrome; Neoplastic Syndromes, Hereditary; Hereditary Cancer Syndrome. Identifiers: Orphanet 140162, MedGen C0027672, MeSH D009386, MONDO:0015356.

Allele frequency attached by ClinVar (database versions not stated): gnomAD exomes below 0.00001; TOPMed 0.00001.
gnomAD v4.1: 1 of 1,614,106 alleles (0.000062%); highest among the groups gnomAD compares: African/African-American, 0.0013%; no homozygotes.

Submissions (3):

GeneDx
Classification: Uncertain significance. Last evaluated: 2023-06-27. Review status: criteria provided, single submitter. Criteria: GeneDx Variant Classification Process June 2021. Collection method: clinical testing. Allele origin: germline. Affected: yes.
Comment: In silico analysis supports that this missense variant has a deleterious effect on protein structure/function; Not observed at significant frequency in large population cohorts (gnomAD); Has not been previously published as pathogenic or benign to our knowledge; This variant is associated with the following publications: (PMID: 14633923)

Labcorp Genetics (formerly Invitae), Labcorp
Classification: Uncertain significance for Multiple endocrine neoplasia, type 2. Last evaluated: 2023-06-24. Review status: criteria provided, single submitter. Criteria: Invitae Variant Classification Sherloc (09022015). Collection method: clinical testing. Allele origin: germline.
Comment: This variant is present in population databases (no rsID available, gnomAD 0.007%). This variant has not been reported in the literature in individuals affected with RET-related conditions. ClinVar contains an entry for this variant (Variation ID: 664667). This sequence change replaces asparagine, which is neutral and polar, with tyrosine, which is neutral and polar, at codon 975 of the RET protein (p.Asn975Tyr). In summary, the available evidence is currently insufficient to determine the role of this variant in disease. Therefore, it has been classified as a Variant of Uncertain Significance. An algorithm developed to predict the effect of missense changes on protein structure and function (PolyPhen-2) suggests that this variant is likely to be disruptive.

Ambry Genetics
Classification: Uncertain significance for Hereditary cancer-predisposing syndrome. Last evaluated: 2021-05-13. Review status: criteria provided, single submitter. Criteria: Ambry Variant Classification Scheme 2023. Collection method: clinical testing. Allele origin: germline.
Comment: The p.N975Y variant (also known as c.2923A>T), located in coding exon 17 of the RET gene, results from an A to T substitution at nucleotide position 2923. The asparagine at codon 975 is replaced by tyrosine, an amino acid with dissimilar properties. This amino acid position is highly conserved in available vertebrate species. In addition, this alteration is predicted to be deleterious by in silico analysis. Since supporting evidence is limited at this time, the clinical significance of this alteration remains unclear.